The following is an entry in ClinVar:

ClinVar aggregate classification (germline): Uncertain significance (1 of 4 stars; one submission).

Submission:

Ambry Genetics
Classification: Uncertain significance. Last evaluated: 2025-10-26. Review status: criteria provided, single submitter. Criteria: Ambry Variant Classification Scheme 2023. Collection method: clinical testing. Allele origin: germline.
Comment: The p.S137P variant (also known as c.409T>C), located in coding exon 1 of the CDK12 gene, results from a T to C substitution at nucleotide position 409. The serine at codon 137 is replaced by proline, an amino acid with similar properties. This amino acid position is conserved. In addition, this alteration is predicted to be tolerated by in silico analysis. Based on the available evidence, the clinical significance of this variant remains unclear.

NM_016507.4(CDK12):c.409T>C (p.Ser137Pro)

Genes: CDK12 (cyclin dependent kinase 12; plus strand), LOC126862553 (CDK7 strongly-dependent group 2 enhancer GRCh37_chr17:37618166-37619365; plus strand). Cytogenetic location: 17q12.
Variant type: single nucleotide variant.
Coding change: c.409T>C on transcript NM_016507.4 (MANE Select); coding-DNA position 409, T replaced by C.
Protein change: p.Ser137Pro; replaces serine 137 with proline.
Molecular consequence: missense variant.
Genome position (GRCh38, 1-based): chr17:39,462,480, T>C. VCF-style: chr17-39462480-T-C. GRCh37 (hg19) VCF-style: chr17-37618733-T-C.
Other names: c.409T>C, p.Ser137Pro (NM_015083.4); short protein forms S137P.
Identifiers: ClinVar variation 4651405 (VCV004651405.1).
Genomic context (GRCh38, chr17:39,462,480, plus strand): 5'-AGGCGTTCCCGGGACTTACTAAAAGCTAAACAGACCGAAAAAGAAAAAAGCCAAGAAGTC[T>C]CCAGCAAGTCGGGATCGATGAAGGACCGGATATCGGGAAGTTCAAAGCGTTCGAATGAGG-3'
Protein context (NP_057591.2, residues 127-147): QTEKEKSQEV[Ser137Pro]SKSGSMKDRI